The following is an entry in ClinVar:

NM_138713.4(NFAT5):c.3616A>G (p.Ile1206Val)

Gene: NFAT5 (nuclear factor of activated T cells 5; plus strand). Cytogenetic location: 16q22.1.
Variant type: single nucleotide variant.
Coding change: c.3616A>G on transcript NM_138713.4 (MANE Select); coding-DNA position 3616, A replaced by G.
Protein change: p.Ile1206Val; replaces isoleucine 1206 with valine.
Molecular consequence: missense variant.
Genome position (GRCh38, 1-based): chr16:69,693,441, A>G. VCF-style: chr16-69693441-A-G. GRCh37 (hg19) VCF-style: chr16-69727344-A-G.
Other names: c.3613A>G, p.Ile1205Val (NM_001113178.3); c.2941A>G, p.Ile981Val (NM_001367709.1); c.3562A>G, p.Ile1188Val (NM_006599.4); c.3334A>G, p.Ile1112Val (NM_138714.4, NM_173214.3, NM_173215.3); short protein forms I1188V, I1206V, I1112V, I981V, I1205V.
Identifiers: ClinVar variation 2880866 (VCV002880866.3), dbSNP rs751031946, ClinGen allele CA8135930.
Genomic context (GRCh38, chr16:69,693,441, plus strand): 5'-TCTCCACTTCAGTCAACATCAAACAGTGAACAACAAGCTGCTTTCCAACAGCAAGCTCCA[A>G]TATCACACATCCAGACTCCTATGCTTTCCCAAGAACAGGCACAACCCCCGCAGCAGGGTT-3'
Protein context (NP_619727.2, residues 1196-1216): QQAAFQQQAP[Ile1206Val]SHIQTPMLSQ

ClinVar aggregate classification (germline): Uncertain significance (1 of 4 stars; one submission).

Conditions:
Immunodeficiency. Identifiers: MedGen C0021051, MONDO:0021094, HP:0002721.

Allele frequency attached by ClinVar (database versions not stated): gnomAD 0.00001; ExAC 0.00002; gnomAD exomes 0.00002; TOPMed 0.00002.

Submission:

Labcorp Genetics (formerly Invitae), Labcorp
Classification: Uncertain significance for Immunodeficiency. Last evaluated: 2024-11-13. Review status: criteria provided, single submitter. Criteria: Invitae Variant Classification Sherloc (09022015). Collection method: clinical testing. Allele origin: germline.
Comment: This sequence change replaces isoleucine, which is neutral and non-polar, with valine, which is neutral and non-polar, at codon 1112 of the NFAT5 protein (p.Ile1112Val). This variant is present in population databases (rs751031946, gnomAD 0.01%). This variant has not been reported in the literature in individuals affected with NFAT5-related conditions. ClinVar contains an entry for this variant (Variation ID: 2880866). An algorithm developed to predict the effect of missense changes on protein structure and function (PolyPhen-2) suggests that this variant is likely to be tolerated. In summary, the available evidence is currently insufficient to determine the role of this variant in disease. Therefore, it has been classified as a Variant of Uncertain Significance.